The following is an entry in ClinVar:

NM_021620.4(PRDM13):c.1147T>C (p.Ser383Pro)

Genes: PRDM13 (PR/SET domain 13; plus strand), LOC129996881 (ATAC-STARR-seq lymphoblastoid silent region 17422; plus strand). Cytogenetic location: 6q16.2.
Variant type: single nucleotide variant.
Coding change: c.1147T>C on transcript NM_021620.4 (MANE Select); coding-DNA position 1147, T replaced by C.
Protein change: p.Ser383Pro; replaces serine 383 with proline.
Molecular consequence: missense variant.
Genome position (GRCh38, 1-based): chr6:99,613,782, T>C. VCF-style: chr6-99613782-T-C. GRCh37 (hg19) VCF-style: chr6-100061658-T-C.
Other names: short protein forms S383P.
Identifiers: ClinVar variation 1005136 (VCV001005136.9), dbSNP rs1378755514, ClinGen allele CA365117809.

ClinVar aggregate classification (germline): Uncertain significance (1 of 4 stars; one submission).

Allele frequency attached by ClinVar (database versions not stated): gnomAD exomes 0.00001 and 0.00009; TOPMed 0.00001.

Submission:

Labcorp Genetics (formerly Invitae), Labcorp
Classification: Uncertain significance. Last evaluated: 2025-09-26. Review status: criteria provided, single submitter. Criteria: Invitae Variant Classification Sherloc (09022015). Collection method: clinical testing. Allele origin: germline.
Comment: This sequence change replaces serine, which is neutral and polar, with proline, which is neutral and non-polar, at codon 383 of the PRDM13 protein (p.Ser383Pro). This variant is present in population databases (no rsID available, gnomAD 0.04%), and has an allele count higher than expected for a pathogenic variant. This variant has not been reported in the literature in individuals affected with PRDM13-related conditions. ClinVar contains an entry for this variant (Variation ID: 1005136). An algorithm developed to predict the effect of missense changes on protein structure and function outputs the following: PolyPhen-2: "Benign". The proline amino acid residue is found in multiple mammalian species, which suggests that this missense change does not adversely affect protein function. In summary, the available evidence is currently insufficient to determine the role of this variant in disease. Therefore, it has been classified as a Variant of Uncertain Significance.